The following is an entry in ClinVar:

ClinVar aggregate classification (germline): Pathogenic. Review status: reviewed by expert panel (3 of 4 stars). 20 submissions from 19 submitters: Pathogenic (1). 19 of the submissions do not count toward it. Last evaluated 2017-03-17.

Conditions:
CFTR-related disorder (CFTR-RD). Also called: CFTR-related condition; CFTR-related disorders. Identifiers: MedGen C5924204, MONDO:7770004.
Congenital bilateral aplasia of vas deferens from CFTR mutation (CBAVD). Identifiers: Orphanet 48, MedGen C0403814, MONDO:0010178, OMIM 277180. Disease mechanism: loss of function.
Cystic fibrosis (CF). Also called: MUCOVISCIDOSIS. Identifiers: Orphanet 586, MedGen C0010674, MONDO:0009061, OMIM 219700. Disease mechanism: loss of function.
Bronchiectasis with or without elevated sweat chloride 1 (BESC1). Also called: Cystic Fibrosis-Like Syndrome. Identifiers: Orphanet 60033, MedGen C2749757, MONDO:0008887, OMIM 211400.
Hereditary pancreatitis (PCTT). Also called: PRSS1-Related Hereditary Pancreatitis; Hereditary chronic pancreatitis. Identifiers: Orphanet 676, MedGen C0238339, MONDO:0008185, OMIM 167800.

Submissions 1 to 12 of 20:

CFTR2
Classification: Pathogenic for Cystic fibrosis. Last evaluated: 2017-03-17. Review status: reviewed by expert panel. Criteria: Sosnay PR et al. (Nat Genet 2013). Collection method: research. Allele origin: germline. Affected: yes. Study: CFTR2.

Institute of Human Genetics, University of Leipzig Medical Center
Classification: Pathogenic for Cystic fibrosis. Last evaluated: 2026-07-07. Review status: criteria provided, single submitter. Criteria: ACMG Guidelines, 2015. Collection method: clinical testing. Allele origin: unknown. Inheritance: Autosomal recessive inheritance. Affected: yes. Not counted in ClinVar's aggregate classification.
Comment: Criteria applied: PVS1,PM3_VSTR,PM2_SUP,PP4; Identified as compund heterozygous with NM_000492.4:c.1652G>A

PreventionGenetics, part of Exact Sciences
Classification: Pathogenic for CFTR-related condition. Last evaluated: 2026-06-29. Review status: criteria provided, single submitter. Criteria: ACMG Guidelines, 2015. Collection method: clinical testing. Allele origin: germline. Not counted in ClinVar's aggregate classification.
Comment: The CFTR c.2012delT variant is predicted to result in premature protein termination (p.Leu671*). This variant, alternatively referred to as c.2143delT using legacy nomenclature, has been reported in the compound heterozygous state in multiple individuals with cystic fibrosis (see for example, Doerk et al. 1992. PubMed ID: 1283149; Ziętkiewicz et al. 2014. PubMed ID: 24586523). This variant is reported in 0.0027% of alleles in individuals of European (non-Finnish) descent in gnomAD. Nonsense variants in CFTR are expected to be pathogenic. This variant is interpreted as pathogenic.

Labcorp Genetics (formerly Invitae), Labcorp
Classification: Pathogenic for Cystic fibrosis. Last evaluated: 2025-11-30. Review status: criteria provided, single submitter. Criteria: Invitae Variant Classification Sherloc (09022015). Collection method: clinical testing. Allele origin: germline. Not counted in ClinVar's aggregate classification.
Comment: This sequence change creates a premature translational stop signal (p.Leu671*) in the CFTR gene. It is expected to result in an absent or disrupted protein product. Loss-of-function variants in CFTR are known to be pathogenic (PMID: 1695717, 7691345, 9725922). This variant is present in population databases (rs758077237, gnomAD 0.0009%). This premature translational stop signal has been observed in individuals with cystic fibrosis (PMID: 1283149, 20659818, 22658665, 23276700, 23974870, 24586523). This variant is also known as 2143delT. ClinVar contains an entry for this variant (Variation ID: 35836). For these reasons, this variant has been classified as Pathogenic.

Quest Diagnostics Nichols Institute San Juan Capistrano
Classification: Pathogenic. Last evaluated: 2024-10-23. Review status: criteria provided, single submitter. Criteria: Quest Diagnostics criteria. Collection method: clinical testing. Allele origin: unknown. Not counted in ClinVar's aggregate classification.
Comment: The CFTR c.2012del (p.Leu671*) variant causes the premature termination of CFTR protein synthesis. This variant has been reported in the published literature in individuals with cystic fibrosis (PMIDs: 1283149 (1992), 20659818 (2010), 23276700 (2013), 32429104 (2020), and 38003474 (2023)). It has also been reported in individuals with pancreatic insufficiency (PMIDs: 18456578 (2008) and 22658665 (2012)), as well as in congenital bilateral absence of the vas deferens (CBAVD) (PMID: 38003474 (2023)). Based on the available information, this variant is classified as pathogenic.

Natera, Inc.
Classification: Pathogenic for CFTR-related disorders. Last evaluated: 2024-08-05. Review status: criteria provided, single submitter. Criteria: Natera Variant Classification Schema (03/2026). Collection method: clinical testing. Allele origin: germline. Not counted in ClinVar's aggregate classification.
Comment: The c.2012delT variant in CFTR is a frameshift variant predicted to shift the reading frame and introduce a stop codon. This variant is expected to result in nonsense mediated decay, truncation, or a dysfunctional protein product. This variant is rare in the general population with a frequency below the threshold expected for the associated phenotype(s). This variant has been observed in one or more individuals affected with the associated recessive disease, as either homozygous or compound heterozygous with a second variant (PMID: 22892530). Given the available evidence, this variant is classified as Pathogenic.

Fulgent Genetics
Classification: Pathogenic for Hereditary pancreatitis; Bronchiectasis with or without elevated sweat chloride 1; Cystic fibrosis; Congenital bilateral aplasia of vas deferens from CFTR mutation. Last evaluated: 2024-06-24. Review status: criteria provided, single submitter. Criteria: ACMG Guidelines, 2015. Collection method: clinical testing. Allele origin: germline. Not counted in ClinVar's aggregate classification.

ARUP Laboratories, Molecular Genetics and Genomics, ARUP Laboratories
Classification: Pathogenic for Cystic fibrosis. Last evaluated: 2024-01-09. Review status: criteria provided, single submitter. Criteria: ARUP Molecular Germline Variant Investigation Process 2024. Collection method: clinical testing. Allele origin: germline. Not counted in ClinVar's aggregate classification.
Comment: The CFTR c.2012del; p.Leu671Ter variant (rs121908812), also known as 2143delT for legacy nomenclature, is reported as a common CF-causing allele in Eastern European populations (Castellani 2008, Dork 1992, Petrova 2020), and is commonly associated with pancreatic insufficiency (CFTR2 database). This variant is only found on three alleles in the Genome Aggregation Database (v2.1.1), indicating it is not a common polymorphism. This variant induces an early termination codon and is predicted to result in a truncated protein or mRNA subject to nonsense-mediated decay. Based on available information, this variant is considered to be pathogenic. References: Link to CFTR2 database: Castellani C et al. Consensus on the use and interpretation of cystic fibrosis mutation analysis in clinical practice. J Cyst Fibros. 2008 May;7(3):179-96. PMID: 18456578. Dork T et al. A termination mutation (2143delT) in the CFTR gene of German cystic fibrosis patients. Hum Genet. 1992 Nov;90(3):279-84. PMID: 1283149. Petrova NV et al. Analysis of CFTR Mutation Spectrum in Ethnic Russian Cystic Fibrosis Patients. Genes (Basel). 2020 May 15;11(5):554. PMID: 32429104.

Baylor Genetics
Classification: Pathogenic for Bronchiectasis with or without elevated sweat chloride 1. Last evaluated: 2023-11-04. Review status: criteria provided, single submitter. Criteria: ACMG Guidelines, 2015. Collection method: clinical testing. Allele origin: unknown. Not counted in ClinVar's aggregate classification.

Johns Hopkins Genomics, Johns Hopkins University
Classification: Pathogenic for Cystic fibrosis. Last evaluated: 2023-06-06. Review status: criteria provided, single submitter. Criteria: ACMG Guidelines, 2015. Collection method: clinical testing. Allele origin: germline. Not counted in ClinVar's aggregate classification.
Comment: Disease-causing CFTR variant. See CFTR2 for phenotype information.

Ambry Genetics
Classification: Pathogenic for Cystic fibrosis. Last evaluated: 2022-08-01. Review status: criteria provided, single submitter. Criteria: Ambry Variant Classification Scheme 2023. Collection method: clinical testing. Allele origin: germline. Not counted in ClinVar's aggregate classification.
Comment: The c.2012delT pathogenic mutation (also known as p.L671* and 2143delT), located in coding exon 14 of the CFTR gene, results from a deletion of one nucleotide at nucleotide position 2012, changes the amino acid from a leucine to a stop codon within coding exon 14. This pathogenic mutation was first described in 6 German individuals who were compound heterozygous for another pathogenic mutation in the CFTR gene; clinical symptoms included severe pulmonary disease, pancreatic insufficiency, and elevated sweat chloride levels (D&ouml;rk T et al. Hum. Genet., 1992 Nov;90:279-84). In addition to the clinical data presented in the literature, this alteration is expected to result in loss of function by premature protein truncation or nonsense-mediated mRNA decay. As such, this alteration is interpreted as a disease-causing mutation.

Revvity Omics, Revvity
Classification: Pathogenic. Last evaluated: 2022-02-03. Review status: criteria provided, single submitter. Criteria: ACMG Guidelines, 2015. Collection method: clinical testing. Allele origin: germline. Not counted in ClinVar's aggregate classification.

NM_000492.4(CFTR):c.2012del (p.Ser670_Leu671insTer)

Gene: CFTR (CF transmembrane conductance regulator; plus strand). Cytogenetic location: 7q31.2.
Variant type: Deletion.
Coding change: c.2012del on transcript NM_000492.4 (MANE Select); coding-DNA position 2012, one base deleted (T; older notation c.2012delT).
Protein change: p.Ser670_Leu671insTer.
Molecular consequence: nonsense.
Genome position (GRCh38, 1-based): chr7:117,592,179, T deleted; the last of 2 consecutive T bases (chr7:117,592,178-117,592,179); deleting either gives the same sequence. VCF-style (leftmost placement, unchanged base first): chr7-117592177-AT-A. GRCh37 (hg19) VCF-style: chr7-117232231-AT-A.
Other names: 2143delT; c.2012delT (NM_000492.3); c.2012del (NM_000492.3).
Identifiers: ClinVar variation 35836 (VCV000035836.40), dbSNP rs121908812, ClinGen allele CA342837.
Genomic context (GRCh38, chr7:117,592,177, plus strand): 5'-CGACCAATTTAGTGCAGAAAGAAGAAATTCAATCCTAACTGAGACCTTACACCGTTTCTC[AT>A]TAGAAGGAGATGCTCCTGTCTCCTGGACAGAAACAAAAAAACAATCTTTTAAACAGACTG-3'